The following is an entry in ClinVar:

NM_001849.4(COL6A2):c.2161C>T (p.Gln721Ter)

Gene: COL6A2 (collagen type VI alpha 2 chain; plus strand). Cytogenetic location: 21q22.3.
Variant type: single nucleotide variant.
Coding change: c.2161C>T on transcript NM_001849.4 (MANE Select); coding-DNA position 2161, C replaced by T.
Protein change: p.Gln721Ter; replaces glutamine 721 with a stop codon.
Molecular consequence: nonsense.
Genome position (GRCh38, 1-based): chr21:46,125,976, C>T. VCF-style: chr21-46125976-C-T. GRCh37 (hg19) VCF-style: chr21-47545890-C-T.
Other names: c.2161C>T, p.Gln721Ter (NM_058174.3, NM_058175.3); short protein forms Q721*.
Identifiers: ClinVar variation 2966286 (VCV002966286.3), dbSNP rs1437640012, ClinGen allele CA410541811.

ClinVar aggregate classification (germline): Pathogenic (1 of 4 stars; one submission).

Conditions:
Bethlem myopathy 1A. Also called: MYOPATHY, BENIGN CONGENITAL, WITH CONTRACTURES; Bethlem myopathy 1; Bethlem Muscular Dystrophy. Identifiers: Orphanet 610, MedGen CN029274, MONDO:0024530, OMIM 158810.

Allele frequency attached by ClinVar (database versions not stated): gnomAD exomes below 0.00001; gnomAD 0.00001.
gnomAD v4.1: 2 of 1,613,004 alleles (0.00012%); highest among the groups gnomAD compares: African/African-American, 0.0013%; no homozygotes.

Submission:

Labcorp Genetics (formerly Invitae), Labcorp
Classification: Pathogenic for Bethlem myopathy 1A. Last evaluated: 2025-06-13. Review status: criteria provided, single submitter. Criteria: Invitae Variant Classification Sherloc (09022015). Collection method: clinical testing. Allele origin: germline.
Comment: This sequence change creates a premature translational stop signal (p.Gln721*) in the COL6A2 gene. It is expected to result in an absent or disrupted protein product. Loss-of-function variants in COL6A2 are known to be pathogenic (PMID: 19884007, 20976770). This variant is present in population databases (no rsID available, gnomAD 0.01%). This variant has not been reported in the literature in individuals affected with COL6A2-related conditions. ClinVar contains an entry for this variant (Variation ID: 2966286). For these reasons, this variant has been classified as Pathogenic.

Literature cited by the submitters: PubMed 19884007; PubMed 20976770.